The following is an entry in ClinVar:

NM_004186.5(SEMA3F):c.203G>A (p.Arg68His)

Gene: SEMA3F (semaphorin 3F; plus strand). Cytogenetic location: 3p21.31.
Variant type: single nucleotide variant.
Coding change: c.203G>A on transcript NM_004186.5 (MANE Select); coding-DNA position 203, G replaced by A.
Protein change: p.Arg68His; replaces arginine 68 with histidine.
Molecular consequence: missense variant. On other transcripts: 5 prime UTR variant (1).
Genome position (GRCh38, 1-based): chr3:50,173,883, G>A. VCF-style: chr3-50173883-G-A. GRCh37 (hg19) VCF-style: chr3-50211316-G-A.
Other names: c.-2G>A (NM_001318798.1, NM_001318798.2); c.203G>A, p.Arg68His (NM_001318800.2); short protein forms R68H.
Identifiers: ClinVar variation 2510380 (VCV002510380.4), dbSNP rs985333083, ClinGen allele CA74587347.

ClinVar aggregate classification (germline): Uncertain significance. Review status: criteria provided, multiple submitters, no conflicts (2 of 4 stars). 2 submissions from 2 submitters: Uncertain significance (2). Last evaluated 2026-06-23.

Conditions:
SEMA3F-related disorder. Also called: SEMA3F-related condition.

Allele frequency attached by ClinVar (database versions not stated): gnomAD exomes below 0.00001; gnomAD 0.00002; TOPMed 0.00002.
gnomAD v4.1: 9 of 1,613,950 alleles (0.00056%); highest among the groups gnomAD compares: African/African-American, 0.0013%; no homozygotes.

Submissions (2):

PreventionGenetics, part of Exact Sciences
Classification: Uncertain significance for SEMA3F-related condition. Last evaluated: 2026-06-23. Review status: criteria provided, single submitter. Criteria: ACMG Guidelines, 2015. Collection method: clinical testing. Allele origin: germline.
Comment: The SEMA3F c.-2G>A variant is located in the 5' untranslated region. To our knowledge, this variant has not been reported in the literature. This variant is reported in 0.011% of alleles in individuals of African descent in gnomAD, which may be too common to be causative. Although we suspect that this variant may be benign, at this time, the clinical significance of this variant is uncertain due to the absence of conclusive functional and genetic evidence.

Ambry Genetics
Classification: Uncertain significance. Last evaluated: 2023-03-31. Review status: criteria provided, single submitter. Criteria: Ambry Variant Classification Scheme 2023. Collection method: clinical testing. Allele origin: germline.